The following is an entry in ClinVar:

NM_014014.5(SNRNP200):c.1854T>C (p.His618=)

Gene: SNRNP200 (small nuclear ribonucleoprotein U5 subunit 200; minus strand). Cytogenetic location: 2q11.2.
Variant type: single nucleotide variant.
Coding change: c.1854T>C on transcript NM_014014.5 (MANE Select); coding-DNA position 1854, T replaced by C.
Protein change: p.His618=; no amino-acid change (histidine 618 retained).
Molecular consequence: synonymous variant.
Genome position (GRCh38, 1-based): chr2:96,293,498, A>G on the plus strand (T>C on the coding strand, the complement: SNRNP200 is on the minus strand). VCF-style: chr2-96293498-A-G. GRCh37 (hg19) VCF-style: chr2-96959236-A-G.
Identifiers: ClinVar variation 337556 (VCV000337556.16), dbSNP rs147622706, ClinGen allele CA1778819.
Genomic context (GRCh38, chr2:96,293,498, plus strand): 5'-GTTTCGGATGGCCCTGGCCACTAAAGCTTCTAAGACAGGACCTCTGTCATCGTGGAGAAG[A>G]TGAATCTCATCCTACGGAATTGGAGGACAGAAATTACCTCTAGCACTAGAGATACATAGT-3'
Protein context (NP_054733.2, residues 608-628): LVRLIILDEI[His618=]LLHDDRGPVL

ClinVar aggregate classification (germline): Benign/Likely benign. Review status: criteria provided, multiple submitters, no conflicts (2 of 4 stars). 3 submissions from 3 submitters: Benign (1); Likely benign (2). Last evaluated 2026-01-12.

Conditions:
Retinitis pigmentosa (RP). Identifiers: Orphanet 791, MedGen C0035334, MeSH D012174, MONDO:0019200, OMIM 268000. Inheritance: Autosomal dominant, autosomal recessive and X linked inheritance.

Allele frequency attached by ClinVar (database versions not stated): TOPMed 0.00025; ESP Exome Variant Server 0.00038; gnomAD exomes 0.00040 and 0.00047; ExAC 0.00045; gnomAD 0.00052 and 0.00056.
gnomAD v4.1: 649 of 1,612,208 alleles (0.04%); highest among the groups gnomAD compares: Non-Finnish European, 0.043%; 1 homozygote.

Submissions (3):

Labcorp Genetics (formerly Invitae), Labcorp
Classification: Benign. Last evaluated: 2026-01-12. Review status: criteria provided, single submitter. Criteria: Invitae Variant Classification Sherloc (09022015). Collection method: clinical testing. Allele origin: germline.

Blueprint Genetics
Classification: Likely benign. Last evaluated: 2024-11-22. Review status: criteria provided, single submitter. Criteria: ACMG Guidelines, 2015. Collection method: clinical testing. Allele origin: germline.

Illumina Laboratory Services, Illumina
Classification: Likely benign for Retinitis pigmentosa. Last evaluated: 2018-01-12. Review status: criteria provided, single submitter. Criteria: ICSL Variant Classification Criteria 13 December 2019. Collection method: clinical testing. Allele origin: germline.
Comment: This variant was observed in the ICSL laboratory as part of a predisposition screen in an ostensibly healthy population. It had not been previously curated by ICSL or reported in the Human Gene Mutation Database (HGMD: prior to June 1st, 2018), and was therefore a candidate for classification through an automated scoring system. Utilizing variant allele frequency, disease prevalence and penetrance estimates, and inheritance mode, an automated score was calculated to assess if this variant is too frequent to cause the disease. Based on the score and internal cut-off values, a variant classified as likely benign is not then subjected to further curation. The score for this variant resulted in a classification of likely benign for this disease.